The following is an entry in ClinVar:

NM_032551.5(KISS1R):c.79G>A (p.Ala27Thr)

Gene: KISS1R (KISS1 receptor; plus strand). Cytogenetic location: 19p13.3.
Variant type: single nucleotide variant.
Coding change: c.79G>A on transcript NM_032551.5 (MANE Select); coding-DNA position 79, G replaced by A.
Protein change: p.Ala27Thr; replaces alanine 27 with threonine.
Molecular consequence: missense variant.
Genome position (GRCh38, 1-based): chr19:917,581, G>A. VCF-style: chr19-917581-G-A. GRCh37 (hg19) VCF-style: chr19-917581-G-A.
Other names: short protein forms A27T.
Identifiers: ClinVar variation 4774710 (VCV004774710.1).
Genomic context (GRCh38, chr19:917,581, plus strand): 5'-TCCGGACCCAACGCGTCCTGGGGGGCACCGGCCAACGCCTCCGGCTGCCCGGGCTGTGGC[G>A]CCAACGCCTCGGACGGCCCAGTCCCTTCGCCGCGGGCCGTGGACGCCTGGCTCGTGCCGC-3'
Protein context (NP_115940.2, residues 17-37): ANASGCPGCG[Ala27Thr]NASDGPVPSP

ClinVar aggregate classification (germline): Uncertain significance (1 of 4 stars; one submission).

gnomAD v4.1: 4 of 1,537,832 alleles (0.00026%); highest among the groups gnomAD compares: Non-Finnish European, 0.00026%; no homozygotes.

Submission:

Labcorp Genetics (formerly Invitae), Labcorp
Classification: Uncertain significance. Last evaluated: 2025-05-11. Review status: criteria provided, single submitter. Criteria: Invitae Variant Classification Sherloc (09022015). Collection method: clinical testing. Allele origin: germline.
Comment: This sequence change replaces alanine, which is neutral and non-polar, with threonine, which is neutral and polar, at codon 27 of the KISS1R protein (p.Ala27Thr). This variant is not present in population databases (gnomAD no frequency). This variant has not been reported in the literature in individuals affected with KISS1R-related conditions. An algorithm developed to predict the effect of missense changes on protein structure and function outputs the following: PolyPhen-2: "Benign". The threonine amino acid residue is found in multiple mammalian species, which suggests that this missense change does not adversely affect protein function. In summary, the available evidence is currently insufficient to determine the role of this variant in disease. Therefore, it has been classified as a Variant of Uncertain Significance.